The following is an entry in ClinVar:

ClinVar aggregate classification (germline): Likely benign (1 of 4 stars; one submission).

Allele frequency attached by ClinVar (database versions not stated): gnomAD exomes below 0.00001; TOPMed 0.00001.

Submission:

CeGaT Center for Human Genetics Tuebingen
Classification: Likely benign. Last evaluated: 2022-12-01. Review status: criteria provided, single submitter. Criteria: CeGaT Center For Human Genetics Tuebingen Variant Classification Criteria Version 2. Collection method: clinical testing. Allele origin: germline. Affected: yes. Observed: 1 variant allele.
Comment: CST4: BP4, BP7

NM_001899.3(CST4):c.93A>G (p.Pro31=)

Gene: CST4 (cystatin S; minus strand). Cytogenetic location: 20p11.21.
Variant type: single nucleotide variant.
Coding change: c.93A>G on transcript NM_001899.3 (MANE Select); coding-DNA position 93, A replaced by G.
Protein change: p.Pro31=; no amino-acid change (proline 31 retained).
Molecular consequence: synonymous variant.
Genome position (GRCh38, 1-based): chr20:23,688,877, T>C on the plus strand (A>G on the coding strand, the complement: CST4 is on the minus strand). VCF-style: chr20-23688877-T-C. GRCh37 (hg19) VCF-style: chr20-23669514-T-C.
Identifiers: ClinVar variation 2652243 (VCV002652243.24), dbSNP rs3188293, ClinGen allele CA313610890.